The following is an entry in ClinVar:

NM_000256.3(MYBPC3):c.3770A>G (p.Asn1257Ser)

Gene: MYBPC3 (myosin binding protein C3; minus strand). Cytogenetic location: 11p11.2.
Variant type: single nucleotide variant.
Coding change: c.3770A>G on transcript NM_000256.3 (MANE Select); coding-DNA position 3770, A replaced by G.
Protein change: p.Asn1257Ser; replaces asparagine 1257 with serine.
Molecular consequence: missense variant.
Genome position (GRCh38, 1-based): chr11:47,332,116, T>C on the plus strand (A>G on the coding strand, the complement: MYBPC3 is on the minus strand). VCF-style: chr11-47332116-T-C. GRCh37 (hg19) VCF-style: chr11-47353667-T-C.
Other names: short protein forms N1257S.
Identifiers: ClinVar variation 1437101 (VCV001437101.6), dbSNP rs2142849248, ClinGen allele CA380310685.

ClinVar aggregate classification (germline): Uncertain significance (1 of 4 stars; one submission).

Conditions:
Hypertrophic cardiomyopathy. Also called: HYPERTROPHIC MYOCARDIOPATHY. Identifiers: Orphanet 217569, MedGen C0007194, MeSH D002312, MONDO:0005045, HP:0001639.

Submission:

Labcorp Genetics (formerly Invitae), Labcorp
Classification: Uncertain significance for Hypertrophic cardiomyopathy. Last evaluated: 2025-09-02. Review status: criteria provided, single submitter. Criteria: Invitae Variant Classification Sherloc (09022015). Collection method: clinical testing. Allele origin: germline.
Comment: This sequence change replaces asparagine, which is neutral and polar, with serine, which is neutral and polar, at codon 1257 of the MYBPC3 protein (p.Asn1257Ser). This variant is not present in population databases (gnomAD no frequency). This variant has not been reported in the literature in individuals affected with MYBPC3-related conditions. ClinVar contains an entry for this variant (Variation ID: 1437101). An algorithm developed to predict the effect of missense changes on protein structure and function (PolyPhen-2) suggests that this variant is likely to be disruptive. This variant disrupts the p.Asn1257 amino acid residue in MYBPC3. Other variant(s) that disrupt this residue have been determined to be pathogenic (PMID: 25351510; internal data). This suggests that this residue is clinically significant, and that variants that disrupt this residue are likely to be disease-causing. In summary, the available evidence is currently insufficient to determine the role of this variant in disease. Therefore, it has been classified as a Variant of Uncertain Significance.

Literature cited by the submitters: PubMed 25351510.